The following is an entry in ClinVar:

NM_002295.6(RPSA):c.467A>G (p.Tyr156Cys)

Gene: RPSA (ribosomal protein SA; plus strand). Cytogenetic location: 3p22.1.
Variant type: single nucleotide variant.
Coding change: c.467A>G on transcript NM_002295.6 (MANE Select); coding-DNA position 467, A replaced by G.
Protein change: p.Tyr156Cys; replaces tyrosine 156 with cysteine.
Molecular consequence: missense variant.
Genome position (GRCh38, 1-based): chr3:39,410,968, A>G. VCF-style: chr3-39410968-A-G. GRCh37 (hg19) VCF-style: chr3-39452459-A-G.
Other names: c.482A>G, p.Tyr161Cys (NM_001304288.2); short protein forms Y156C, Y161C.
Identifiers: ClinVar variation 4769705 (VCV004769705.1).

ClinVar aggregate classification (germline): Uncertain significance (1 of 4 stars; one submission).

Submission:

Labcorp Genetics (formerly Invitae), Labcorp
Classification: Uncertain significance. Last evaluated: 2025-10-12. Review status: criteria provided, single submitter. Criteria: Invitae Variant Classification Sherloc (09022015). Collection method: clinical testing. Allele origin: germline.
Comment: This sequence change replaces tyrosine, which is neutral and polar, with cysteine, which is neutral and slightly polar, at codon 156 of the RPSA protein (p.Tyr156Cys). This variant is present in population databases (rs151047013, gnomAD 0.002%). This variant has not been reported in the literature in individuals affected with RPSA-related conditions. Invitae Evidence Modeling of protein sequence and biophysical properties (such as structural, functional, and spatial information, amino acid conservation, physicochemical variation, residue mobility, and thermodynamic stability) indicates that this missense variant is not expected to disrupt RPSA protein function with a negative predictive value of 80%. In summary, the available evidence is currently insufficient to determine the role of this variant in disease. Therefore, it has been classified as a Variant of Uncertain Significance.